The following is an entry in ClinVar:

ClinVar aggregate classification (germline): Uncertain significance (1 of 4 stars; one submission).

Conditions:
Spastic ataxia 10, autosomal recessive (SPAX10). Identifiers: MedGen C5882738, MONDO:0958009, OMIM 620666.

Submission:

3billion
Classification: Uncertain significance for Spastic ataxia 10, autosomal recessive. Last evaluated: 2025-06-16. Review status: criteria provided, single submitter. Criteria: ACMG Guidelines, 2015. Collection method: clinical testing. Allele origin: germline. Affected: yes.
Comment: The variant is not observed in the gnomAD v4.1.0 dataset. Predicted Consequence/Location: Missense variant Therefore, this variant is classified as VUS according to the recommendation of ACMG/AMP guideline.

NM_016035.5(COQ4):c.710A>G (p.Tyr237Cys)

Gene: COQ4 (coenzyme Q4; plus strand). Cytogenetic location: 9q34.11.
Variant type: single nucleotide variant.
Coding change: c.710A>G on transcript NM_016035.5 (MANE Select); coding-DNA position 710, A replaced by G.
Protein change: p.Tyr237Cys; replaces tyrosine 237 with cysteine.
Molecular consequence: missense variant. On other transcripts: 3 prime UTR variant (1).
Genome position (GRCh38, 1-based): chr9:128,333,557, A>G. VCF-style: chr9-128333557-A-G. GRCh37 (hg19) VCF-style: chr9-131095836-A-G.
Other names: c.*86A>G (NM_001305942.2); short protein forms Y237C.
Identifiers: ClinVar variation 4855650 (VCV004855650.1).